The following is an entry in ClinVar:

NM_001814.6(CTSC):c.848T>C (p.Leu283Pro)

Gene: CTSC (cathepsin C; minus strand). Cytogenetic location: 11q14.2.
Variant type: single nucleotide variant.
Coding change: c.848T>C on transcript NM_001814.6 (MANE Select); coding-DNA position 848, T replaced by C.
Protein change: p.Leu283Pro; replaces leucine 283 with proline.
Molecular consequence: missense variant.
Genome position (GRCh38, 1-based): chr11:88,296,174, A>G on the plus strand (T>C on the coding strand, the complement: CTSC is on the minus strand). VCF-style: chr11-88296174-A-G. GRCh37 (hg19) VCF-style: chr11-88029342-A-G.
Other names: short protein forms L283P.
Identifiers: ClinVar variation 2005709 (VCV002005709.3), dbSNP rs2496532832, ClinGen allele CA382022603.

ClinVar aggregate classification (germline): Uncertain significance (1 of 4 stars; one submission).

Conditions:
Periodontitis, aggressive. Identifiers: MedGen C0031106, MONDO:0980757.
Haim-Munk syndrome (HMS). Also called: COCHIN JEWISH DISORDER; KERATOSIS PALMOPLANTARIS WITH PERIODONTOPATHIA AND ONYCHOGRYPOSIS. Identifiers: Orphanet 2342, MedGen C1855627, MONDO:0009491, OMIM 245010.
Papillon-Lefèvre syndrome (PALS). Also called: KERATOSIS PALMOPLANTARIS WITH PERIODONTOPATHIA; Papillon-Lefevre Disease. Identifiers: Orphanet 678, MedGen C0030360, MONDO:0009490, OMIM 245000.

gnomAD v4.1: 1 of 1,614,084 alleles (0.000062%); no homozygotes.

Submission:

Labcorp Genetics (formerly Invitae), Labcorp
Classification: Uncertain significance for Haim-Munk syndrome; Periodontitis, aggressive; Papillon-Lefèvre syndrome. Last evaluated: 2025-03-17. Review status: criteria provided, single submitter. Criteria: Invitae Variant Classification Sherloc (09022015). Collection method: clinical testing. Allele origin: germline.
Comment: This sequence change replaces leucine, which is neutral and non-polar, with proline, which is neutral and non-polar, at codon 283 of the CTSC protein (p.Leu283Pro). This variant is not present in population databases (gnomAD no frequency). This variant has not been reported in the literature in individuals affected with CTSC-related conditions. ClinVar contains an entry for this variant (Variation ID: 2005709). Invitae Evidence Modeling of protein sequence and biophysical properties (such as structural, functional, and spatial information, amino acid conservation, physicochemical variation, residue mobility, and thermodynamic stability) indicates that this missense variant is expected to disrupt CTSC protein function with a positive predictive value of 80%. In summary, the available evidence is currently insufficient to determine the role of this variant in disease. Therefore, it has been classified as a Variant of Uncertain Significance.